The following is an entry in ClinVar:

ClinVar aggregate classification (germline): Benign (0 of 4 stars; one submission).

Conditions:
NCOR1-related disorder. Also called: NCOR1-related condition.

Allele frequency attached by ClinVar (database versions not stated): gnomAD exomes 0.00055; ExAC 0.00198; 1000 Genomes Project 30x 0.00609; 1000 Genomes Project 0.00619; gnomAD 0.00631; ESP Exome Variant Server 0.00693; TOPMed 0.00731.
gnomAD v4.1: 1,784 of 1,601,062 alleles (0.11%); highest among the groups gnomAD compares: African/African-American, 2.2%; 19 homozygotes.

Submission:

PreventionGenetics, part of Exact Sciences
Classification: Benign for NCOR1-related condition. Last evaluated: 2019-10-28. Review status: no assertion criteria provided. Collection method: clinical testing. Allele origin: germline.
Comment: This variant is classified as benign based on ACMG/AMP sequence variant interpretation guidelines (Richards et al. 2015 PMID: 25741868, with internal and published modifications).

NM_006311.4(NCOR1):c.768T>C (p.Gly256=)

Gene: NCOR1 (nuclear receptor corepressor 1; minus strand). Cytogenetic location: 17p11.2.
Variant type: single nucleotide variant.
Coding change: c.768T>C on transcript NM_006311.4 (MANE Select); coding-DNA position 768, T replaced by C.
Protein change: p.Gly256=; no amino-acid change (glycine 256 retained).
Molecular consequence: synonymous variant.
Genome position (GRCh38, 1-based): chr17:16,153,360, A>G on the plus strand (T>C on the coding strand, the complement: NCOR1 is on the minus strand). VCF-style: chr17-16153360-A-G. GRCh37 (hg19) VCF-style: chr17-16056674-A-G.
Other names: c.441T>C, p.Gly147= (NM_001190438.2); c.768T>C, p.Gly256= (NM_001190440.2).
Identifiers: ClinVar variation 3039988 (VCV003039988.2), dbSNP rs140669097, ClinGen allele CA8409454.